The following is an entry in ClinVar:

NM_004595.5(SMS):c.997G>C (p.Gly333Arg)

Gene: SMS (spermine synthase; plus strand). Cytogenetic location: Xp22.11.
Variant type: single nucleotide variant.
Coding change: c.997G>C on transcript NM_004595.5 (MANE Select); coding-DNA position 997, G replaced by C.
Protein change: p.Gly333Arg; replaces glycine 333 with arginine.
Molecular consequence: missense variant.
Genome position (GRCh38, 1-based): chrX:21,992,648, G>C. VCF-style: chrX-21992648-G-C. GRCh37 (hg19) VCF-style: chrX-22010766-G-C.
Other names: c.997G>C (NM_004595.3); c.838G>C, p.Gly280Arg (NM_001258423.2); short protein forms G280R, G333R.
Identifiers: ClinVar variation 1331593 (VCV001331593.7), dbSNP rs1200431087, ClinGen allele CA412571840.

ClinVar aggregate classification (germline): Uncertain significance. Review status: criteria provided, multiple submitters, no conflicts (2 of 4 stars). 3 submissions from 3 submitters: Uncertain significance (3). Last evaluated 2022-05-16.

Conditions:
Inborn genetic diseases. Identifiers: MedGen C0950123, MeSH D030342.
Intellectual developmental disorder, X-linked, syndromic, Snyder-Robinson type. Also called: X-linked mental retardation Snyder - Robinson type; Syndromic X-linked intellectual disability Snyder type; SNYDER-ROBINSON MENTAL RETARDATION SYNDROME; Spermine synthase deficiency. Identifiers: Orphanet 3063, MedGen C0796160, MONDO:0010664, OMIM 309583.

Allele frequency attached by ClinVar (database versions not stated): gnomAD 0.00001.

Submissions (3):

Fulgent Genetics
Classification: Uncertain significance for Intellectual developmental disorder, X-linked, syndromic, Snyder-Robinson type. Last evaluated: 2022-05-16. Review status: criteria provided, single submitter. Criteria: ACMG Guidelines, 2015. Collection method: clinical testing. Allele origin: unknown.

Greenwood Genetic Center Diagnostic Laboratories, Greenwood Genetic Center
Classification: Uncertain significance. Last evaluated: 2021-02-25. Review status: criteria provided, single submitter. Criteria: ACMG Guidelines, 2015. Collection method: clinical testing. Allele origin: germline. Affected: yes.
Comment: PP3, PM2

Ambry Genetics
Classification: Uncertain significance for Inborn genetic diseases. Last evaluated: 2020-03-06. Review status: criteria provided, single submitter. Criteria: Ambry Variant Classification Scheme 2023. Collection method: clinical testing. Allele origin: germline.
Comment: The p.G333R variant (also known as c.997G>C), located in coding exon 10 of the SMS gene, results from a G to C substitution at nucleotide position 997. The glycine at codon 333 is replaced by arginine, an amino acid with dissimilar properties. This amino acid position is not well conserved in available vertebrate species. In addition, this alteration is predicted to be tolerated by in silico analysis. Since supporting evidence is limited at this time, the clinical significance of this alteration remains unclear.